The following is an entry in ClinVar:

ClinVar aggregate classification (germline): Uncertain significance (1 of 4 stars; one submission).

Conditions:
Brachyolmia-amelogenesis imperfecta syndrome. Also called: PLATYSPONDYLY WITH AMELOGENESIS IMPERFECTA; Tooth agenesis, selective, 6; Dental anomalies and short stature. Identifiers: Orphanet 2899, MedGen C1832594, MONDO:0011018, OMIM 601216. Disease mechanism: loss of function.

gnomAD v4.1: 22 of 1,612,464 alleles (0.0014%); highest among the groups gnomAD compares: South Asian, 0.024%; no homozygotes.

Submission:

Labcorp Genetics (formerly Invitae), Labcorp
Classification: Uncertain significance for Brachyolmia-amelogenesis imperfecta syndrome. Last evaluated: 2024-10-27. Review status: criteria provided, single submitter. Criteria: Invitae Variant Classification Sherloc (09022015). Collection method: clinical testing. Allele origin: germline.
Comment: This sequence change replaces aspartic acid, which is acidic and polar, with tyrosine, which is neutral and polar, at codon 1210 of the LTBP3 protein (p.Asp1210Tyr). This variant also falls at the last nucleotide of exon 26, which is part of the consensus splice site for this exon. This variant is present in population databases (rs777097028, gnomAD 0.02%). This variant has not been reported in the literature in individuals affected with LTBP3-related conditions. An algorithm developed to predict the effect of missense changes on protein structure and function (PolyPhen-2) suggests that this variant is likely to be disruptive. Variants that disrupt the consensus splice site are a relatively common cause of aberrant splicing (PMID: 17576681, 9536098). In summary, the available evidence is currently insufficient to determine the role of this variant in disease. Therefore, it has been classified as a Variant of Uncertain Significance.

Literature cited by the submitters: PubMed 17576681; PubMed 9536098.

NM_001130144.3(LTBP3):c.3628G>T (p.Asp1210Tyr)

Gene: LTBP3 (latent transforming growth factor beta binding protein 3; minus strand). Cytogenetic location: 11q13.1.
Variant type: single nucleotide variant.
Coding change: c.3628G>T on transcript NM_001130144.3 (MANE Select); coding-DNA position 3628, G replaced by T.
Protein change: p.Asp1210Tyr; replaces aspartic acid 1210 with tyrosine.
Molecular consequence: missense variant.
Genome position (GRCh38, 1-based): chr11:65,539,548, C>A on the plus strand (G>T on the coding strand, the complement: LTBP3 is on the minus strand). VCF-style: chr11-65539548-C-A. GRCh37 (hg19) VCF-style: chr11-65307019-C-A.
Other names: c.3136G>T, p.Asp1046Tyr (NM_001164266.1); c.3487G>T, p.Asp1163Tyr (NM_021070.4); short protein forms D1046Y, D1163Y, D1210Y.
Identifiers: ClinVar variation 3631376 (VCV003631376.2).
Genomic context (GRCh38, chr11:65,539,548, plus strand): 5'-AACACTGAGCCCCGGCCAAAGGCTACCAACCCCGCCACCGCCCGACCCGGCAGCACTCAC[C>A]TCTTGGGGGCTTCCCCAACAGCAGGGGGCTTGTGTCCCAGAAGGAATTGCTCTCGCTCTG-3'
Protein context (NP_001123616.1, residues 1200-1220): SPLLLGKPPR[Asp1210Tyr]EDSSEEDSDE